The following is an entry in ClinVar:

ClinVar aggregate classification (germline): Likely benign. Review status: criteria provided, multiple submitters, no conflicts (2 of 4 stars). 3 submissions from 3 submitters: Likely benign (3). Last evaluated 2025-06-01.

Allele frequency attached by ClinVar (database versions not stated): gnomAD 0.00001; TOPMed 0.00001; ExAC 0.00002; gnomAD exomes 0.00002.
gnomAD v4.1: 29 of 1,584,274 alleles (0.0018%); highest among the groups gnomAD compares: Non-Finnish European, 0.0025%; no homozygotes.

Submissions (3):

CeGaT Center for Human Genetics Tuebingen
Classification: Likely benign. Last evaluated: 2025-06-01. Review status: criteria provided, single submitter. Criteria: CeGaT Center For Human Genetics Tuebingen Variant Classification Criteria Version 2. Collection method: clinical testing. Allele origin: germline. Affected: yes. Observed: 1 variant allele.
Comment: DMXL2: BP4, BP7

Labcorp Genetics (formerly Invitae), Labcorp
Classification: Likely benign. Last evaluated: 2025-05-23. Review status: criteria provided, single submitter. Criteria: Invitae Variant Classification Sherloc (09022015). Collection method: clinical testing. Allele origin: germline.

Blueprint Genetics
Classification: Likely benign. Last evaluated: 2024-07-15. Review status: criteria provided, single submitter. Criteria: ACMG Guidelines, 2015. Collection method: clinical testing. Allele origin: germline.

NM_001378457.1(DMXL2):c.6600A>G (p.Pro2200=)

Gene: DMXL2 (Dmx like 2; minus strand). Cytogenetic location: 15q21.2.
Variant type: single nucleotide variant.
Coding change: c.6600A>G on transcript NM_001378457.1 (MANE Select); coding-DNA position 6600, A replaced by G.
Protein change: p.Pro2200=; no amino-acid change (proline 2200 retained).
Molecular consequence: synonymous variant. On other transcripts: non-coding transcript variant (2).
Genome position (GRCh38, 1-based): chr15:51,480,104, T>C on the plus strand (A>G on the coding strand, the complement: DMXL2 is on the minus strand). VCF-style: chr15-51480104-T-C. GRCh37 (hg19) VCF-style: chr15-51772301-T-C.
Other names: c.6600A>G, p.Pro2200= (NM_001174116.3, NM_001378458.1, NM_001378459.1 and 4 more transcripts); c.4692A>G, p.Pro1564= (NM_001174117.3); c.4581A>G, p.Pro1527= (NM_001378460.1); c.6360A>G, p.Pro2120= (NM_001378464.1).
Identifiers: ClinVar variation 1930679 (VCV001930679.14), dbSNP rs753354037, ClinGen allele CA7561593.